The following is an entry in ClinVar:

NM_015378.4(VPS13D):c.10421A>T (p.Lys3474Met)

Gene: VPS13D (vacuolar protein sorting 13 homolog D; plus strand). Cytogenetic location: 1p36.22.
Variant type: single nucleotide variant.
Coding change: c.10421A>T on transcript NM_015378.4 (MANE Select); coding-DNA position 10421, A replaced by T.
Protein change: p.Lys3474Met; replaces lysine 3474 with methionine.
Molecular consequence: missense variant.
Genome position (GRCh38, 1-based): chr1:12,363,220, A>T. VCF-style: chr1-12363220-A-T. GRCh37 (hg19) VCF-style: chr1-12423276-A-T.
Other names: p.Lys3474Met; c.10346A>T, p.Lys3449Met (NM_018156.4); c.10421A>T (NM_015378.3); short protein forms K3449M, K3474M.
Identifiers: ClinVar variation 916204 (VCV000916204.48), dbSNP rs145226038, ClinGen allele CA603685.

ClinVar aggregate classification (germline): Benign/Likely benign. Review status: criteria provided, multiple submitters, no conflicts (2 of 4 stars). 6 submissions from 6 submitters: Benign (1); Likely benign (4). 1 of the submissions does not count toward it. Last evaluated 2026-06-01.

Conditions:
VPS13D-related disorder. Also called: VPS13D-related condition.

Allele frequency attached by ClinVar (database versions not stated): TOPMed 0.00190; ExAC 0.00191; gnomAD exomes 0.00191; ESP Exome Variant Server 0.00246; 1000 Genomes Project 30x 0.00062; 1000 Genomes Project 0.00080; gnomAD 0.00177 and 0.00182.

Submissions (6):

CeGaT Center for Human Genetics Tuebingen
Classification: Likely benign. Last evaluated: 2026-06-01. Review status: criteria provided, single submitter. Criteria: CeGaT Center For Human Genetics Tuebingen Variant Classification Criteria Version 2. Collection method: clinical testing. Allele origin: germline. Affected: yes. Observed: 3 variant alleles.
Comment: VPS13D: BS2

Labcorp Genetics (formerly Invitae), Labcorp
Classification: Likely benign. Last evaluated: 2026-01-27. Review status: criteria provided, single submitter. Criteria: Invitae Variant Classification Sherloc (09022015). Collection method: clinical testing. Allele origin: germline.

Blueprint Genetics
Classification: Likely benign. Last evaluated: 2024-11-25. Review status: criteria provided, single submitter. Criteria: ACMG Guidelines, 2015. Collection method: clinical testing. Allele origin: germline.

Mayo Clinic Laboratories, Mayo Clinic
Classification: Benign. Last evaluated: 2023-11-24. Review status: criteria provided, single submitter. Criteria: ACMG Guidelines, 2015. Collection method: clinical testing. Allele origin: germline. Observed: 12 variant alleles.
Comment: BS1, BS2

Breakthrough Genomics
Classification: Likely benign. Review status: criteria provided, single submitter. Criteria: ACMG Guidelines, 2015. Collection method: not provided. Allele origin: germline. Inheritance: Autosomal recessive inheritance. Affected: yes.

PreventionGenetics, part of Exact Sciences
Classification: Likely benign for VPS13D-related condition. Last evaluated: 2022-04-06. Review status: no assertion criteria provided. Collection method: clinical testing. Allele origin: germline. Not counted in ClinVar's aggregate classification.
Comment: This variant is classified as likely benign based on ACMG/AMP sequence variant interpretation guidelines (Richards et al. 2015 PMID: 25741868, with internal and published modifications).